The following is an entry in ClinVar:

NM_024334.3(TMEM43):c.998T>C (p.Leu333Ser)

Gene: TMEM43 (transmembrane protein 43; plus strand). Cytogenetic location: 3p25.1.
Variant type: single nucleotide variant.
Coding change: c.998T>C on transcript NM_024334.3 (MANE Select); coding-DNA position 998, T replaced by C.
Protein change: p.Leu333Ser; replaces leucine 333 with serine.
Molecular consequence: missense variant.
Genome position (GRCh38, 1-based): chr3:14,139,295, T>C. VCF-style: chr3-14139295-T-C. GRCh37 (hg19) VCF-style: chr3-14180795-T-C.
Other names: c.1001T>C, p.Leu334Ser (NM_001407274.1); c.995T>C, p.Leu332Ser (NM_001407275.1, NM_001407276.1); c.992T>C, p.Leu331Ser (NM_001407277.1); c.983T>C, p.Leu328Ser (NM_001407278.1); c.923T>C, p.Leu308Ser (NM_001407279.1); c.848T>C, p.Leu283Ser (NM_001407280.1); short protein forms L332S, L283S, L328S, L331S, L333S, L308S, L334S.
Identifiers: ClinVar variation 4715324 (VCV004715324.1).
Genomic context (GRCh38, chr3:14,139,295, plus strand): 5'-CAGCTGGCTGGATGGCCATGTTCATGGGCCTCAACCTTATGACACGGATCCTCTACACCT[T>C]GGGTAGGTGTTGGGGTGGGTCACTGCCCTCCCTCCTGCACCCTGAAAGGGCCTCCTCTGC-3'
Protein context (NP_077310.1, residues 323-343): LNLMTRILYT[Leu333Ser]VDWFPVFRDL

ClinVar aggregate classification (germline): Uncertain significance (1 of 4 stars; one submission).

Conditions:
Arrhythmogenic right ventricular dysplasia 5. Also called: Arrhythmogenic Right Ventricular Dysplasia/Cardiomyopathy 5; ARRHYTHMOGENIC RIGHT VENTRICULAR DYSPLASIA, FAMILIAL, 5. Identifiers: MedGen C1858379, MONDO:0011459, OMIM 604400.

Submission:

Labcorp Genetics (formerly Invitae), Labcorp
Classification: Uncertain significance for Arrhythmogenic right ventricular dysplasia 5. Last evaluated: 2025-03-18. Review status: criteria provided, single submitter. Criteria: Invitae Variant Classification Sherloc (09022015). Collection method: clinical testing. Allele origin: germline.
Comment: This sequence change replaces leucine, which is neutral and non-polar, with serine, which is neutral and polar, at codon 333 of the TMEM43 protein (p.Leu333Ser). This variant is not present in population databases (gnomAD no frequency). This variant has not been reported in the literature in individuals affected with TMEM43-related conditions. An algorithm developed to predict the effect of missense changes on protein structure and function (PolyPhen-2) suggests that this variant is likely to be disruptive. In summary, the available evidence is currently insufficient to determine the role of this variant in disease. Therefore, it has been classified as a Variant of Uncertain Significance.